The following is an entry in ClinVar:

NM_001875.5(CPS1):c.3941C>T (p.Ser1314Phe)

Gene: CPS1 (carbamoyl-phosphate synthase 1; plus strand). Cytogenetic location: 2q34.
Variant type: single nucleotide variant.
Coding change: c.3941C>T on transcript NM_001875.5 (MANE Select); coding-DNA position 3941, C replaced by T.
Protein change: p.Ser1314Phe; replaces serine 1314 with phenylalanine.
Molecular consequence: missense variant. On other transcripts: non-coding transcript variant (2).
Genome position (GRCh38, 1-based): chr2:210,663,136, C>T. VCF-style: chr2-210663136-C-T. GRCh37 (hg19) VCF-style: chr2-211527860-C-T.
Other names: c.3941C>T, p.Ser1314Phe (NM_001122633.3, NM_001369257.1); c.3974C>T, p.Ser1325Phe (NM_001369256.1); short protein forms S1314F, S1325F.
Identifiers: ClinVar variation 2584968 (VCV002584968.1), dbSNP rs2469339973, ClinGen allele CA350439263.

ClinVar aggregate classification (germline): Uncertain significance (1 of 4 stars; one submission).

Conditions:
Congenital hyperammonemia, type I. Also called: CPS I DEFICIENCY; Carbamoyl phosphate synthetase 1 deficiency; Hyperammonemia due to carbamoyl phosphate synthetase 1 deficiency; CPS 1 deficiency; Carbamyl phosphate synthetase (CPS) deficiency; Carbamoyl phosphate synthetase I deficiency disease. Identifiers: Orphanet 147, MedGen C4082171, MONDO:0009376, OMIM 237300.

Allele frequency attached by ClinVar (database versions not stated): gnomAD exomes below 0.00001.
gnomAD v4.1: 1 of 1,613,458 alleles (0.000062%); highest among the groups gnomAD compares: Non-Finnish European, 0.000085%; no homozygotes.

Submission:

Neuberg Centre For Genomic Medicine, NCGM
Classification: Uncertain significance for Congenital hyperammonemia, type I. Review status: criteria provided, single submitter. Criteria: ACMG Guidelines, 2015. Collection method: clinical testing. Allele origin: germline. Inheritance: Autosomal recessive inheritance. Affected: yes.
Comment: The missense variant c.3941C>T (p.Ser1314Phe) in CPS1 gene has not been reported previously as a pathogenic variant nor as a benign variant, to our knowledge. The p.Ser1314Phe variant is novel (not in any individuals) in gnomAD Exomes and 1000 Genomes. The amino acid Ser at position 1314 is changed to a Phe changing protein sequence and it might alter its composition and physico-chemical properties. The amino acid change p.Ser1314Phe in CPS1 is predicted as conserved by GERP++ and PhyloP across 100 vertebrates. For these reasons, this variant has been classified as Uncertain Significance (VUS).